The following is an entry in ClinVar:

NM_032043.3(BRIP1):c.1819G>T (p.Val607Phe)

Gene: BRIP1 (BRCA1 interacting DNA helicase 1; minus strand). Cytogenetic location: 17q23.2.
Variant type: single nucleotide variant.
Coding change: c.1819G>T on transcript NM_032043.3 (MANE Select); coding-DNA position 1819, G replaced by T.
Protein change: p.Val607Phe; replaces valine 607 with phenylalanine.
Molecular consequence: missense variant.
Genome position (GRCh38, 1-based): chr17:61,780,377, C>A on the plus strand (G>T on the coding strand, the complement: BRIP1 is on the minus strand). VCF-style: chr17-61780377-C-A. GRCh37 (hg19) VCF-style: chr17-59857738-C-A.
Other names: short protein forms V607F.
Identifiers: ClinVar variation 2951590 (VCV002951590.3), dbSNP rs2545020669, ClinGen allele CA400480178.

ClinVar aggregate classification (germline): Uncertain significance (1 of 4 stars; one submission).

Conditions:
Familial cancer of breast. Also called: BREAST CANCER, FAMILIAL; hereditary breast carcinoma; Hereditary breast cancer. Identifiers: Orphanet 227535, MedGen C0346153, MONDO:0016419, OMIM 114480. Disease mechanism: loss of function.
Fanconi anemia complementation group J. Also called: BRIP1-Related Fanconi Anemia. Identifiers: Orphanet 84, MedGen C1836860, MONDO:0012187, OMIM 609054.

Submission:

Labcorp Genetics (formerly Invitae), Labcorp
Classification: Uncertain significance for Familial cancer of breast; Fanconi anemia complementation group J. Last evaluated: 2025-09-12. Review status: criteria provided, single submitter. Criteria: Invitae Variant Classification Sherloc (09022015). Collection method: clinical testing. Allele origin: germline.
Comment: This sequence change replaces valine, which is neutral and non-polar, with phenylalanine, which is neutral and non-polar, at codon 607 of the BRIP1 protein (p.Val607Phe). This variant is not present in population databases (gnomAD no frequency). This variant has not been reported in the literature in individuals affected with BRIP1-related conditions. ClinVar contains an entry for this variant (Variation ID: 2951590). Invitae Evidence Modeling of protein sequence and biophysical properties (such as structural, functional, and spatial information, amino acid conservation, physicochemical variation, residue mobility, and thermodynamic stability) has been performed for this missense variant. However, the output from this modeling did not meet the statistical confidence thresholds required to predict the impact of this variant on BRIP1 protein function. In summary, the available evidence is currently insufficient to determine the role of this variant in disease. Therefore, it has been classified as a Variant of Uncertain Significance.